The following is an entry in ClinVar:

NM_001372106.1(DNAH10):c.5403C>T (p.Ala1801=)

Gene: DNAH10 (dynein axonemal heavy chain 10; plus strand). Cytogenetic location: 12q24.31.
Variant type: single nucleotide variant.
Coding change: c.5403C>T on transcript NM_001372106.1 (MANE Select); coding-DNA position 5403, C replaced by T.
Protein change: p.Ala1801=; no amino-acid change (alanine 1801 retained).
Molecular consequence: synonymous variant.
Genome position (GRCh38, 1-based): chr12:123,845,642, C>T. VCF-style: chr12-123845642-C-T. GRCh37 (hg19) VCF-style: chr12-124330189-C-T.
Other names: c.5049C>T, p.Ala1683= (NM_001083900.1, NM_207437.3).
Identifiers: ClinVar variation 3037132 (VCV003037132.2), dbSNP rs7969440, ClinGen allele CA6863857.

ClinVar aggregate classification (germline): Benign (0 of 4 stars; one submission).

Conditions:
DNAH10-related disorder. Also called: DNAH10-related condition.

Allele frequency attached by ClinVar (database versions not stated): gnomAD exomes 0.01625; ExAC 0.03535; gnomAD 0.09008; ESP Exome Variant Server 0.09084; TOPMed 0.10173; 1000 Genomes Project 0.10363; 1000 Genomes Project 30x 0.10650.
gnomAD v4.1: 38,058 of 1,613,314 alleles (2.4%); highest among the groups gnomAD compares: African/African-American, 29%; 3,504 homozygotes.

Submission:

PreventionGenetics, part of Exact Sciences
Classification: Benign for DNAH10-related condition. Last evaluated: 2019-10-24. Review status: no assertion criteria provided. Collection method: clinical testing. Allele origin: germline.
Comment: This variant is classified as benign based on ACMG/AMP sequence variant interpretation guidelines (Richards et al. 2015 PMID: 25741868, with internal and published modifications).